The following is an entry in ClinVar:

NM_000492.4(CFTR):c.3836T>C (p.Leu1279Ser)

Genes: CFTR (CF transmembrane conductance regulator; plus strand), CFTR-AS2 (CFTR antisense RNA 2; minus strand). Cytogenetic location: 7q31.2.
Variant type: single nucleotide variant.
Coding change: c.3836T>C on transcript NM_000492.4 (MANE Select); coding-DNA position 3836, T replaced by C.
Protein change: p.Leu1279Ser; replaces leucine 1279 with serine.
Molecular consequence: missense variant.
Genome position (GRCh38, 1-based): chr7:117,642,556, T>C. VCF-style: chr7-117642556-T-C. GRCh37 (hg19) VCF-style: chr7-117282610-T-C.
Other names: short protein forms L1279S.
Identifiers: ClinVar variation 596763 (VCV000596763.8), dbSNP rs1286786026, ClinGen allele CA368975369.

ClinVar aggregate classification (germline): Uncertain significance. Review status: criteria provided, multiple submitters, no conflicts (2 of 4 stars). 2 submissions from 2 submitters: Uncertain significance (2). Last evaluated 2024-05-08.

Conditions:
Cystic fibrosis (CF). Also called: MUCOVISCIDOSIS. Identifiers: Orphanet 586, MedGen C0010674, MONDO:0009061, OMIM 219700. Disease mechanism: loss of function.

gnomAD v4.1: 4 of 1,613,532 alleles (0.00025%); highest among the groups gnomAD compares: East Asian, 0.0089%; no homozygotes.

Submissions (2):

Labcorp Genetics (formerly Invitae), Labcorp
Classification: Uncertain significance for Cystic fibrosis. Last evaluated: 2024-05-08. Review status: criteria provided, single submitter. Criteria: Invitae Variant Classification Sherloc (09022015). Collection method: clinical testing. Allele origin: germline.
Comment: This sequence change replaces leucine, which is neutral and non-polar, with serine, which is neutral and polar, at codon 1279 of the CFTR protein (p.Leu1279Ser). This variant is not present in population databases (gnomAD no frequency). This variant has not been reported in the literature in individuals affected with CFTR-related conditions. ClinVar contains an entry for this variant (Variation ID: 596763). Advanced modeling of protein sequence and biophysical properties (such as structural, functional, and spatial information, amino acid conservation, physicochemical variation, residue mobility, and thermodynamic stability) performed at Invitae indicates that this missense variant is expected to disrupt CFTR protein function with a positive predictive value of 80%. In summary, the available evidence is currently insufficient to determine the role of this variant in disease. Therefore, it has been classified as a Variant of Uncertain Significance.

Eurofins Ntd Llc (ga)
Classification: Uncertain significance. Last evaluated: 2018-04-04. Review status: criteria provided, single submitter. Criteria: EGL ClinVar v180209 classification definitions. Collection method: clinical testing. Allele origin: germline. Observed: 1 variant allele, 1 heterozygote.